The following is an entry in ClinVar:

NM_021930.6(RINT1):c.1381G>C (p.Val461Leu)

Gene: RINT1 (RAD50 interactor 1; plus strand). Cytogenetic location: 7q22.3.
Variant type: single nucleotide variant.
Coding change: c.1381G>C on transcript NM_021930.6 (MANE Select); coding-DNA position 1381, G replaced by C.
Protein change: p.Val461Leu; replaces valine 461 with leucine.
Molecular consequence: missense variant. On other transcripts: non-coding transcript variant (1).
Genome position (GRCh38, 1-based): chr7:105,551,617, G>C. VCF-style: chr7-105551617-G-C. GRCh37 (hg19) VCF-style: chr7-105192064-G-C.
Other names: c.1147G>C, p.Val383Leu (NM_001346599.2); c.358G>C, p.Val120Leu (NM_001346600.2, NM_001346603.2); c.457G>C, p.Val153Leu (NM_001346601.2); short protein forms V383L, V120L, V153L, V461L.
Identifiers: ClinVar variation 5028301 (VCV005028301.1).

ClinVar aggregate classification (germline): Uncertain significance (1 of 4 stars; one submission).

Submission:

Ambry Genetics
Classification: Uncertain significance. Last evaluated: 2026-09-12. Review status: criteria provided, single submitter. Criteria: Ambry Variant Classification Scheme 2023. Collection method: clinical testing. Allele origin: germline.
Comment: The p.V461L variant (also known as c.1381G>C), located in coding exon 10 of the RINT1 gene, results from a G to C substitution at nucleotide position 1381. The valine at codon 461 is replaced by leucine, an amino acid with highly similar properties. This amino acid position is conserved. In addition, this alteration is predicted to be tolerated by in silico analysis. Based on the available evidence, the clinical significance of this variant remains unclear.